The following is an entry in ClinVar:

ClinVar aggregate classification (germline): Uncertain significance. Review status: criteria provided, multiple submitters, no conflicts (2 of 4 stars). 3 submissions from 3 submitters: Uncertain significance (2). 1 of the submissions does not count toward it. Last evaluated 2024-04-30.

Conditions:
Leukoencephalopathy with calcifications and cysts. Also called: Leukoencephalopathy, brain calcifications, and cysts; LABRUNE SYNDROME. Identifiers: Orphanet 542310, MedGen C3281200, MONDO:0013803, OMIM 614561.

Allele frequency attached by ClinVar (database versions not stated): TOPMed below 0.00001; gnomAD exomes 0.00002.
gnomAD v4.1: 12 of 765,268 alleles (0.0016%); highest among the groups gnomAD compares: South Asian, 0.0027%; no homozygotes.

Submissions (3):

GeneDx
Classification: Uncertain significance. Last evaluated: 2024-04-30. Review status: criteria provided, single submitter. Criteria: GeneDx Variant Classification Process June 2021. Collection method: clinical testing. Allele origin: germline. Affected: yes.
Comment: Located in a stem of the SNORD118 non-coding RNA; Changes the Watson-Crick match to a wobble base pair at a position where a Watson-Crick match is moderately conserved across species. In the absence of RNA/functional studies, the actual effect of this sequence change is unknown; This variant is associated with the following publications: (PMID: 27571260, 28748214, 33029936)

Labcorp Genetics (formerly Invitae), Labcorp
Classification: Uncertain significance. Last evaluated: 2022-05-25. Review status: criteria provided, single submitter. Criteria: Invitae Variant Classification Sherloc (09022015). Collection method: clinical testing. Allele origin: germline.
Comment: Experimental studies and prediction algorithms are not available or were not evaluated, and the functional significance of this variant is currently unknown. ClinVar contains an entry for this variant (Variation ID: 929277). This variant has been observed in individual(s) with cerebral microangiopathy leukoencephalopathy with calcifications and cysts (PMID: 27571260). This variant is present in population databases (no rsID available, gnomAD 0.006%). This variant occurs in the SNORD118 gene, which encodes an RNA molecule that does not result in a protein product. In summary, the available evidence is currently insufficient to determine the role of this variant in disease. Therefore, it has been classified as a Variant of Uncertain Significance.

Laboratory of Neurogenetics and Neuroinflammation, Institut Imagine
Classification: Pathogenic for Leukoencephalopathy, brain calcifications, and cysts. Last evaluated: 2020-04-06. Review status: no assertion criteria provided. Collection method: clinical testing. Allele origin: germline. Affected: yes. Observed: 1 variant allele. Not counted in ClinVar's aggregate classification.

Literature cited by the submitters: PubMed 27571260 (cited by Labcorp Genetics (formerly Invitae), Labcorp).

NR_033294.2(SNORD118):n.75A>G

Genes: SNORD118 (small nucleolar RNA, C/D box 118; minus strand), TMEM107 (transmembrane protein 107; minus strand). Cytogenetic location: 17p13.1.
Variant type: single nucleotide variant.
Molecular consequence: non-coding transcript variant (on NR_033294.2). On other transcripts: 3 prime UTR variant (5).
Genome position: GRCh38 VCF-style: chr17-8173514-T-C. GRCh37 (hg19) VCF-style: chr17-8076832-T-C.
Other names: c.*689A>G (NM_001351278.2, NM_001351279.2, NM_001351280.2 and 2 more transcripts).
Identifiers: ClinVar variation 929277 (VCV000929277.6), dbSNP rs1400162090, ClinGen allele CA497957066.
Genomic context (GRCh38, chr17:8,173,514, plus strand): 5'-ATCAGACAGGAGCAATCAGGGTGTTGCAAGTCCTGATTACGCAGAGACGTTAATCACGTT[T>C]CATGCATCTCCAATCATCATGTTCTAATCTGCCCTCCGGAGGAGGAACAGGTAAGGATTA-3'